The following is an entry in ClinVar:

ClinVar aggregate classification (germline): Uncertain significance (1 of 4 stars; one submission).

gnomAD v4.1: 9 of 1,613,818 alleles (0.00056%); highest among the groups gnomAD compares: Non-Finnish European, 0.00076%; no homozygotes.

Submission:

Labcorp Genetics (formerly Invitae), Labcorp
Classification: Uncertain significance. Last evaluated: 2025-08-02. Review status: criteria provided, single submitter. Criteria: Invitae Variant Classification Sherloc (09022015). Collection method: clinical testing. Allele origin: germline.
Comment: This sequence change replaces arginine, which is basic and polar, with serine, which is neutral and polar, at codon 565 of the MMP9 protein (p.Arg565Ser). This variant is not present in population databases (gnomAD no frequency). This variant has not been reported in the literature in individuals affected with MMP9-related conditions. Invitae Evidence Modeling of protein sequence and biophysical properties (such as structural, functional, and spatial information, amino acid conservation, physicochemical variation, residue mobility, and thermodynamic stability) indicates that this missense variant is not expected to disrupt MMP9 protein function with a negative predictive value of 80%. In summary, the available evidence is currently insufficient to determine the role of this variant in disease. Therefore, it has been classified as a Variant of Uncertain Significance.

NM_004994.3(MMP9):c.1693C>A (p.Arg565Ser)

Genes: MMP9 (matrix metallopeptidase 9; plus strand), SLC12A5-AS1 (SLC12A5 and MMP9 antisense RNA 1; minus strand). Cytogenetic location: 20q13.12.
Variant type: single nucleotide variant.
Coding change: c.1693C>A on transcript NM_004994.3 (MANE Select); coding-DNA position 1693, C replaced by A.
Protein change: p.Arg565Ser; replaces arginine 565 with serine.
Molecular consequence: missense variant. On other transcripts: non-coding transcript variant (1).
Genome position (GRCh38, 1-based): chr20:46,013,739, C>A. VCF-style: chr20-46013739-C-A. GRCh37 (hg19) VCF-style: chr20-44642378-C-A.
Other names: short protein forms R565S.
Identifiers: ClinVar variation 4781436 (VCV004781436.1).